The following is an entry in ClinVar:

NM_001374828.1(ARID1B):c.1578C>T (p.Pro526=)

Gene: ARID1B (AT-rich interaction domain 1B; plus strand). Cytogenetic location: 6q25.3.
Variant type: single nucleotide variant.
Coding change: c.1578C>T on transcript NM_001374828.1 (MANE Select); coding-DNA position 1578, C replaced by T.
Protein change: p.Pro526=; no amino-acid change (proline 526 retained).
Molecular consequence: synonymous variant.
Genome position (GRCh38, 1-based): chr6:156,779,258, C>T. VCF-style: chr6-156779258-C-T. GRCh37 (hg19) VCF-style: chr6-157100392-C-T.
Other names: c.1329C>T, p.Pro443= (NM_020732.3); c.1578C>T, p.Pro526= (NM_001371656.1, NM_001374820.1, NM_017519.3).
Identifiers: ClinVar variation 589206 (VCV000589206.10), dbSNP rs760419444, ClinGen allele CA4066760.

ClinVar aggregate classification (germline): Benign/Likely benign. Review status: criteria provided, multiple submitters, no conflicts (2 of 4 stars). 3 submissions from 3 submitters: Benign (1); Likely benign (2). Last evaluated 2025-07-02.

Conditions:
Inborn genetic diseases. Identifiers: MedGen C0950123, MeSH D030342.

Allele frequency attached by ClinVar (database versions not stated): TOPMed 0.00011; gnomAD exomes 0.00005; ExAC 0.00008; gnomAD 0.00016.
gnomAD v4.1: 31 of 1,179,678 alleles (0.0026%); highest among the groups gnomAD compares: African/African-American, 0.044%; no homozygotes.

Submissions (3):

Labcorp Genetics (formerly Invitae), Labcorp
Classification: Benign. Last evaluated: 2025-07-02. Review status: criteria provided, single submitter. Criteria: Invitae Variant Classification Sherloc (09022015). Collection method: clinical testing. Allele origin: germline.

GeneDx
Classification: Likely benign. Last evaluated: 2021-11-30. Review status: criteria provided, single submitter. Criteria: GeneDx Variant Classification Process June 2021. Collection method: clinical testing. Allele origin: germline. Affected: yes.
Comment: See Variant Classification Assertion Criteria.

Ambry Genetics
Classification: Likely benign for Inborn genetic diseases. Last evaluated: 2017-05-31. Review status: criteria provided, single submitter. Criteria: Ambry Variant Classification Scheme 2023. Collection method: clinical testing. Allele origin: germline.